The following is an entry in ClinVar:

ClinVar aggregate classification (germline): Uncertain significance (1 of 4 stars; one submission).

Submission:

Ambry Genetics
Classification: Uncertain significance. Last evaluated: 2024-06-25. Review status: criteria provided, single submitter. Criteria: Ambry Variant Classification Scheme 2023. Collection method: clinical testing. Allele origin: germline.
Comment: The p.L983M variant (also known as c.2947C>A), located in coding exon 26 of the PRKDC gene, results from a C to A substitution at nucleotide position 2947. The leucine at codon 983 is replaced by methionine, an amino acid with highly similar properties. This amino acid position is conserved. In addition, this alteration is predicted to be tolerated by in silico analysis. Based on the available evidence, the clinical significance of this variant remains unclear.

NM_006904.7(PRKDC):c.2947C>A (p.Leu983Met)

Gene: PRKDC (protein kinase, DNA-activated, catalytic subunit; minus strand). Cytogenetic location: 8q11.21.
Variant type: single nucleotide variant.
Coding change: c.2947C>A on transcript NM_006904.7 (MANE Select); coding-DNA position 2947, C replaced by A.
Protein change: p.Leu983Met; replaces leucine 983 with methionine.
Molecular consequence: missense variant.
Genome position (GRCh38, 1-based): chr8:47,904,964, G>T on the plus strand (C>A on the coding strand, the complement: PRKDC is on the minus strand). VCF-style: chr8-47904964-G-T. GRCh37 (hg19) VCF-style: chr8-48817524-G-T.
Other names: c.2947C>A, p.Leu983Met (NM_001081640.2); short protein forms L983M.
Identifiers: ClinVar variation 3425254 (VCV003425254.1).